The following is an entry in ClinVar:

ClinVar aggregate classification (germline): Uncertain significance (1 of 4 stars; one submission).

Submission:

GeneDx
Classification: Uncertain significance. Last evaluated: 2023-10-10. Review status: criteria provided, single submitter. Criteria: GeneDx Variant Classification Process June 2021. Collection method: clinical testing. Allele origin: germline. Affected: yes.
Comment: Not observed at significant frequency in large population cohorts (gnomAD); In silico analysis supports that this missense variant has a deleterious effect on protein structure/function; Has not been previously published as pathogenic or benign to our knowledge

NM_001371623.1(TCOF1):c.4195G>T (p.Asp1399Tyr)

Gene: TCOF1 (treacle ribosome biogenesis factor 1; plus strand). Cytogenetic location: 5q32.
Variant type: single nucleotide variant.
Coding change: c.4195G>T on transcript NM_001371623.1 (MANE Select); coding-DNA position 4195, G replaced by T.
Protein change: p.Asp1399Tyr; replaces aspartic acid 1399 with tyrosine.
Molecular consequence: missense variant.
Genome position (GRCh38, 1-based): chr5:150,396,692, G>T. VCF-style: chr5-150396692-G-T. GRCh37 (hg19) VCF-style: chr5-149776255-G-T.
Other names: c.3961G>T, p.Asp1321Tyr (NM_000356.4); c.4192G>T, p.Asp1398Tyr (NM_001135243.2); c.4081G>T, p.Asp1361Tyr (NM_001135244.2); c.3964G>T, p.Asp1322Tyr (NM_001135245.2); c.4078G>T, p.Asp1360Tyr (NM_001195141.2); short protein forms D1321Y, D1322Y, D1360Y, D1361Y, D1398Y, D1399Y.
Identifiers: ClinVar variation 3252360 (VCV003252360.1), dbSNP rs2534548604.